The following is an entry in ClinVar:

NM_007078.3(LDB3):c.1115T>C (p.Val372Ala)

Gene: LDB3 (LIM domain binding 3; plus strand). Cytogenetic location: 10q23.2.
Variant type: single nucleotide variant.
Coding change: c.1115T>C on transcript NM_007078.3 (MANE Select); coding-DNA position 1115, T replaced by C.
Protein change: p.Val372Ala; replaces valine 372 with alanine.
Molecular consequence: missense variant.
Genome position (GRCh38, 1-based): chr10:86,709,934, T>C. VCF-style: chr10-86709934-T-C. GRCh37 (hg19) VCF-style: chr10-88469691-T-C.
Other names: c.785T>C, p.Val262Ala (NM_001080114.2); c.1130T>C, p.Val377Ala (NM_001171610.2); c.926T>C, p.Val309Ala (NM_001368064.1, NM_001368065.1); c.974T>C, p.Val325Ala (NM_001368066.1); short protein forms V262A, V309A, V325A, V372A, V377A.
Identifiers: ClinVar variation 1722422 (VCV001722422.8), dbSNP rs202247419, ClinGen allele CA5585057.

ClinVar aggregate classification (germline): Conflicting classifications of pathogenicity. Review status: criteria provided, conflicting classifications (1 of 4 stars). 4 submissions from 4 submitters: Uncertain significance (2); Likely benign (2). Last evaluated 2026-05-27.

Conditions:
Cardiovascular phenotype. Identifiers: MedGen CN230736.
Myofibrillar myopathy 4. Also called: Zaspopathy (type). Identifiers: Orphanet 98912, MedGen C4721886, MONDO:0012277, OMIM 609452.

Allele frequency attached by ClinVar (database versions not stated): gnomAD exomes below 0.00001; TOPMed 0.00001; ExAC 0.00002; gnomAD 0.00003; 1000 Genomes Project 30x 0.00031; 1000 Genomes Project 0.00040.
gnomAD v4.1: 7 of 1,612,248 alleles (0.00043%); highest among the groups gnomAD compares: African/African-American, 0.0093%; no homozygotes.

Submissions (4):

Ambry Genetics
Classification: Likely benign for Cardiovascular phenotype. Last evaluated: 2026-05-27. Review status: criteria provided, single submitter. Criteria: Ambry Variant Classification Scheme 2023. Collection method: clinical testing. Allele origin: germline.

Women's Health and Genetics/Laboratory Corporation of America, LabCorp
Classification: Uncertain significance. Last evaluated: 2022-09-24. Review status: criteria provided, single submitter. Criteria: LabCorp Variant Classification Summary - May 2015. Collection method: clinical testing. Allele origin: germline.

Labcorp Genetics (formerly Invitae), Labcorp
Classification: Uncertain significance for Myofibrillar myopathy 4. Last evaluated: 2022-06-21. Review status: criteria provided, single submitter. Criteria: Invitae Variant Classification Sherloc (09022015). Collection method: clinical testing. Allele origin: germline.
Comment: This variant is present in population databases (rs202247419, gnomAD 0.01%). In summary, the available evidence is currently insufficient to determine the role of this variant in disease. Therefore, it has been classified as a Variant of Uncertain Significance. Experimental studies and prediction algorithms are not available or were not evaluated, and the functional significance of this variant is currently unknown. This variant has not been reported in the literature in individuals affected with LDB3-related conditions. This sequence change replaces valine, which is neutral and non-polar, with alanine, which is neutral and non-polar, at codon 372 of the LDB3 protein (p.Val372Ala). The LDB3 gene has multiple clinically relevant transcripts. This variant occurs in alternate transcript NM_007078.3, and corresponds to NM_001080116.1:c.*10560T>C in the primary transcript.

Blueprint Genetics
Classification: Likely benign. Last evaluated: 2018-04-12. Review status: criteria provided, single submitter. Criteria: ACMG Guidelines, 2015. Collection method: clinical testing. Allele origin: germline.